The following is an entry in ClinVar:

NM_007272.3(CTRC):c.109C>T (p.Arg37Trp)

Gene: CTRC (chymotrypsin C; plus strand). Cytogenetic location: 1p36.21.
Variant type: single nucleotide variant.
Coding change: c.109C>T on transcript NM_007272.3 (MANE Select); coding-DNA position 109, C replaced by T.
Protein change: p.Arg37Trp; replaces arginine 37 with tryptophan.
Molecular consequence: missense variant.
Genome position (GRCh38, 1-based): chr1:15,440,368, C>T. VCF-style: chr1-15440368-C-T. GRCh37 (hg19) VCF-style: chr1-15766864-C-T.
Other names: short protein forms R37W.
Identifiers: ClinVar variation 847694 (VCV000847694.17), dbSNP rs770675516, ClinGen allele CA613217.
Genomic context (GRCh38, chr1:15,440,368, plus strand): 5'-TGTGGGGTGCCCAGCTTCCCGCCCAACCTATCCGCCCGAGTGGTGGGAGGAGAGGATGCC[C>T]GGCCCCACAGCTGGCCCTGGCAGGTAAGCCTGTGTAGGGCTGGGAGGTACAGATAGAGAG-3'
Protein context (NP_009203.2, residues 27-47): SARVVGGEDA[Arg37Trp]PHSWPWQISL

ClinVar aggregate classification (germline): Uncertain significance. Review status: criteria provided, multiple submitters, no conflicts (2 of 4 stars). 3 submissions from 3 submitters: Uncertain significance (3). Last evaluated 2024-11-29.

Conditions:
Hereditary pancreatitis (PCTT). Also called: Hereditary chronic pancreatitis; PRSS1-Related Hereditary Pancreatitis. Identifiers: Orphanet 676, MedGen C0238339, MONDO:0008185, OMIM 167800.

Allele frequency attached by ClinVar (database versions not stated): gnomAD 0.00001 and 0.00002; ExAC 0.00002; gnomAD exomes 0.00002 and 0.00008; TOPMed 0.00002.

Submissions (3):

Ambry Genetics
Classification: Uncertain significance for Hereditary pancreatitis. Last evaluated: 2024-11-29. Review status: criteria provided, single submitter. Criteria: Ambry Variant Classification Scheme 2023. Collection method: clinical testing. Allele origin: germline.
Comment: The p.R37W variant (also known as c.109C>T), located in coding exon 2 of the CTRC gene, results from a C to T substitution at nucleotide position 109. The arginine at codon 37 is replaced by tryptophan, an amino acid with dissimilar properties. This amino acid position is not well conserved in available vertebrate species. In addition, this alteration is predicted to be tolerated by in silico analysis. Based on the available evidence, the clinical significance of this variant remains unclear.

Labcorp Genetics (formerly Invitae), Labcorp
Classification: Uncertain significance for Hereditary pancreatitis. Last evaluated: 2023-07-08. Review status: criteria provided, single submitter. Criteria: Invitae Variant Classification Sherloc (09022015). Collection method: clinical testing. Allele origin: germline.
Comment: In summary, the available evidence is currently insufficient to determine the role of this variant in disease. Therefore, it has been classified as a Variant of Uncertain Significance. Advanced modeling of protein sequence and biophysical properties (such as structural, functional, and spatial information, amino acid conservation, physicochemical variation, residue mobility, and thermodynamic stability) performed at Invitae indicates that this missense variant is expected to disrupt CTRC protein function. ClinVar contains an entry for this variant (Variation ID: 847694). This variant has not been reported in the literature in individuals affected with CTRC-related conditions. This variant is present in population databases (rs770675516, gnomAD 0.004%). This sequence change replaces arginine, which is basic and polar, with tryptophan, which is neutral and slightly polar, at codon 37 of the CTRC protein (p.Arg37Trp).

Mayo Clinic Laboratories, Mayo Clinic
Classification: Uncertain significance. Last evaluated: 2020-06-02. Review status: criteria provided, single submitter. Criteria: ACMG Guidelines, 2015. Collection method: clinical testing. Allele origin: germline. Observed: 1 variant allele.